The following is an entry in ClinVar:

NM_000179.3(MSH6):c.2957C>G (p.Thr986Ser)

Gene: MSH6 (mutS homolog 6; plus strand). Cytogenetic location: 2p16.3.
Variant type: single nucleotide variant.
Coding change: c.2957C>G on transcript NM_000179.3 (MANE Select); coding-DNA position 2957, C replaced by G.
Protein change: p.Thr986Ser; replaces threonine 986 with serine.
Molecular consequence: missense variant.
Genome position (GRCh38, 1-based): chr2:47,800,940, C>G. VCF-style: chr2-47800940-C-G. GRCh37 (hg19) VCF-style: chr2-48028079-C-G.
Other names: c.2567C>G, p.Thr856Ser (NM_001281492.2); c.2051C>G, p.Thr684Ser (NM_001281493.2, NM_001281494.2); short protein forms T986S, T856S, T684S.
Identifiers: ClinVar variation 630467 (VCV000630467.13), dbSNP rs1558667371, ClinGen allele CA346756261.

ClinVar aggregate classification (germline): Uncertain significance. Review status: criteria provided, multiple submitters, no conflicts (2 of 4 stars). 3 submissions from 3 submitters: Uncertain significance (3). Last evaluated 2025-12-16.

Conditions:
Hereditary nonpolyposis colorectal neoplasms. Identifiers: MedGen C0009405, MeSH D003123.
Hereditary cancer-predisposing syndrome. Also called: Tumor predisposition; Neoplastic Syndromes, Hereditary; Hereditary neoplastic syndrome; Hereditary Cancer Syndrome. Identifiers: Orphanet 140162, MedGen C0027672, MeSH D009386, MONDO:0015356.

gnomAD v4.1: 4 of 1,574,774 alleles (0.00025%); highest among the groups gnomAD compares: South Asian, 0.0024%; no homozygotes.

Submissions (3):

Labcorp Genetics (formerly Invitae), Labcorp
Classification: Uncertain significance for Hereditary nonpolyposis colorectal neoplasms. Last evaluated: 2025-12-16. Review status: criteria provided, single submitter. Criteria: Invitae Variant Classification Sherloc (09022015). Collection method: clinical testing. Allele origin: germline.
Comment: This sequence change replaces threonine, which is neutral and polar, with serine, which is neutral and polar, at codon 986 of the MSH6 protein (p.Thr986Ser). This variant is not present in population databases (gnomAD no frequency). This variant has not been reported in the literature in individuals affected with MSH6-related conditions. ClinVar contains an entry for this variant (Variation ID: 630467). Invitae Evidence Modeling of protein sequence and biophysical properties (such as structural, functional, and spatial information, amino acid conservation, physicochemical variation, residue mobility, and thermodynamic stability) indicates that this missense variant is not expected to disrupt MSH6 protein function with a negative predictive value of 95%. In summary, the available evidence is currently insufficient to determine the role of this variant in disease. Therefore, it has been classified as a Variant of Uncertain Significance.

Color Diagnostics, LLC DBA Color Health
Classification: Uncertain significance for Hereditary cancer-predisposing syndrome. Last evaluated: 2023-12-05. Review status: criteria provided, single submitter. Criteria: ACMG Guidelines, 2015. Collection method: clinical testing. Allele origin: germline.
Comment: This missense variant replaces threonine with serine at codon 986 of the MSH6 protein. Computational prediction tools and conservation analyses are inconclusive regarding the impact of this variant on the protein function. Computational splicing tools suggest that this variant may not impact RNA splicing. To our knowledge, functional assays have not been performed for this variant nor has this variant been reported in individuals affected with hereditary cancer in the literature. This variant has not been identified in the general population by the Genome Aggregation Database (gnomAD). Available evidence is insufficient to determine the role of this variant in disease conclusively. Therefore, this variant is classified as a Variant of Uncertain Significance.

Ambry Genetics
Classification: Uncertain significance for Hereditary cancer-predisposing syndrome. Last evaluated: 2023-11-23. Review status: criteria provided, single submitter. Criteria: Ambry Variant Classification Scheme 2023. Collection method: clinical testing. Allele origin: germline.
Comment: The p.T986S variant (also known as c.2957C>G), located in coding exon 4 of the MSH6 gene, results from a C to G substitution at nucleotide position 2957. The threonine at codon 986 is replaced by serine, an amino acid with similar properties. This amino acid position is conserved. In addition, this alteration is predicted to be tolerated by in silico analysis. Since supporting evidence is limited at this time, the clinical significance of this alteration remains unclear.